The following is an entry in ClinVar:

ClinVar aggregate classification (germline): Uncertain significance. Review status: criteria provided, multiple submitters, no conflicts (2 of 4 stars). 2 submissions from 2 submitters: Uncertain significance (2). Last evaluated 2026-01-26.

Conditions:
KCNQ3-related disorder. Also called: KCNQ3-related condition; KCNQ3-Related Disorders. Identifiers: MedGen CN381530.
Benign neonatal seizures. Also called: Benign familial neonatal seizures; Convulsions benign familial neonatal dominant form; Autosomal dominant form of benign neonatal seizures; Benign neonatal familial convulsions; Benign familial neonatal epilepsy. Identifiers: Orphanet 1949, MedGen C0220669, MONDO:0016027.

Allele frequency attached by ClinVar (database versions not stated): gnomAD exomes below 0.00001; ExAC 0.00001; gnomAD 0.00001; TOPMed 0.00001.
gnomAD v4.1: 17 of 1,614,094 alleles (0.0011%); highest among the groups gnomAD compares: Admixed American, 0.0017%; no homozygotes.

Submissions (2):

Labcorp Genetics (formerly Invitae), Labcorp
Classification: Uncertain significance for Benign neonatal seizures. Last evaluated: 2026-01-26. Review status: criteria provided, single submitter. Criteria: Invitae Variant Classification Sherloc (09022015). Collection method: clinical testing. Allele origin: germline.
Comment: This sequence change replaces methionine, which is neutral and non-polar, with isoleucine, which is neutral and non-polar, at codon 200 of the KCNQ3 protein (p.Met200Ile). This variant is present in population databases (rs764464104, gnomAD 0.0009%). This variant has not been reported in the literature in individuals affected with KCNQ3-related conditions. ClinVar contains an entry for this variant (Variation ID: 1427179). Invitae Evidence Modeling of protein sequence and biophysical properties (such as structural, functional, and spatial information, amino acid conservation, physicochemical variation, residue mobility, and thermodynamic stability) indicates that this missense variant is not expected to disrupt KCNQ3 protein function with a negative predictive value of 80%. In summary, the available evidence is currently insufficient to determine the role of this variant in disease. Therefore, it has been classified as a Variant of Uncertain Significance.

PreventionGenetics, part of Exact Sciences
Classification: Uncertain significance for KCNQ3-related condition. Last evaluated: 2023-03-31. Review status: criteria provided, single submitter. Criteria: ACMG Guidelines, 2015. Collection method: clinical testing. Allele origin: germline.
Comment: The KCNQ3 c.600G>T variant is predicted to result in the amino acid substitution p.Met200Ile. To our knowledge, this variant has not been reported in the literature. This variant is reported in 0.00088% of alleles in individuals of European (Non-Finnish) descent in gnomAD. At this time, the clinical significance of this variant is uncertain due to the absence of conclusive functional and genetic evidence.

NM_004519.4(KCNQ3):c.600G>T (p.Met200Ile)

Gene: KCNQ3 (potassium voltage-gated channel subfamily Q member 3; minus strand). Cytogenetic location: 8q24.22.
Variant type: single nucleotide variant.
Coding change: c.600G>T on transcript NM_004519.4 (MANE Select); coding-DNA position 600, G replaced by T.
Protein change: p.Met200Ile; replaces methionine 200 with isoleucine.
Molecular consequence: missense variant.
Genome position (GRCh38, 1-based): chr8:132,184,245, C>A on the plus strand (G>T on the coding strand, the complement: KCNQ3 is on the minus strand). VCF-style: chr8-132184245-C-A. GRCh37 (hg19) VCF-style: chr8-133196492-C-A.
Other names: c.240G>T, p.Met80Ile (NM_001204824.2); c.600G>T (NM_004519.3); short protein forms M200I, M80I.
Identifiers: ClinVar variation 1427179 (VCV001427179.8), dbSNP rs764464104, ClinGen allele CA4880894.
Genomic context (GRCh38, chr8:132,184,245, plus strand): 5'-CAATGCCCCAAAAGAAGGGAACTGAGGAGGCTGGGAGGCTCAGGGTCAGGACTTACCCAA[C>A]ATGCACAGGGGCTTCCTGGCAAACTTCAGTCGGCCCCGCCAGCCTTTGTATCGGCAGCAA-3'
Protein context (NP_004510.1, residues 190-210): RLKFARKPLC[Met200Ile]LDIFVLIASV